The following is an entry in ClinVar:

NM_138459.5(NUS1):c.745A>G (p.Ser249Gly)

Gene: NUS1 (NUS1 dehydrodolichyl diphosphate synthase subunit; plus strand). Cytogenetic location: 6q22.1.
Variant type: single nucleotide variant.
Coding change: c.745A>G on transcript NM_138459.5 (MANE Select); coding-DNA position 745, A replaced by G.
Protein change: p.Ser249Gly; replaces serine 249 with glycine.
Molecular consequence: missense variant.
Genome position (GRCh38, 1-based): chr6:117,703,658, A>G. VCF-style: chr6-117703658-A-G. GRCh37 (hg19) VCF-style: chr6-118024821-A-G.
Other names: short protein forms S249G.
Identifiers: ClinVar variation 1420694 (VCV001420694.6), dbSNP rs2114693915, ClinGen allele CA365537367.

ClinVar aggregate classification (germline): Uncertain significance (1 of 4 stars; one submission).

Conditions:
Congenital disorder of glycosylation, type Iaa. Also called: Congenital disorder of glycosylation, type 1aa. Identifiers: MedGen C4310727, MONDO:0014904, OMIM 617082.

Submission:

Labcorp Genetics (formerly Invitae), Labcorp
Classification: Uncertain significance for Congenital disorder of glycosylation, type Iaa. Last evaluated: 2023-07-07. Review status: criteria provided, single submitter. Criteria: Invitae Variant Classification Sherloc (09022015). Collection method: clinical testing. Allele origin: germline.
Comment: In summary, the available evidence is currently insufficient to determine the role of this variant in disease. Therefore, it has been classified as a Variant of Uncertain Significance. An algorithm developed to predict the effect of missense changes on protein structure and function (PolyPhen-2) suggests that this variant is likely to be disruptive. ClinVar contains an entry for this variant (Variation ID: 1420694). This variant has not been reported in the literature in individuals affected with NUS1-related conditions. This variant is not present in population databases (gnomAD no frequency). This sequence change replaces serine, which is neutral and polar, with glycine, which is neutral and non-polar, at codon 249 of the NUS1 protein (p.Ser249Gly).